The following is an entry in ClinVar:

NM_014967.5(FAN1):c.898C>T (p.His300Tyr)

Gene: FAN1 (FANCD2 and FANCI associated nuclease 1; plus strand). Cytogenetic location: 15q13.3.
Variant type: single nucleotide variant.
Coding change: c.898C>T on transcript NM_014967.5 (MANE Select); coding-DNA position 898, C replaced by T.
Protein change: p.His300Tyr; replaces histidine 300 with tyrosine.
Molecular consequence: missense variant.
Genome position (GRCh38, 1-based): chr15:30,905,561, C>T. VCF-style: chr15-30905561-C-T. GRCh37 (hg19) VCF-style: chr15-31197764-C-T.
Other names: c.898C>T, p.His300Tyr (NM_001146094.2, NM_001146095.1, NM_001146096.2); short protein forms H300Y.
Identifiers: ClinVar variation 3350225 (VCV003350225.1).

ClinVar aggregate classification (germline): Uncertain significance (0 of 4 stars; one submission).

Conditions:
FAN1-related disorder. Also called: FAN1-related condition.

gnomAD v4.1: 1 of 1,613,816 alleles (0.000062%); highest among the groups gnomAD compares: Non-Finnish European, 0.000085%; no homozygotes.

Submission:

PreventionGenetics, part of Exact Sciences
Classification: Uncertain significance for FAN1-related condition. Last evaluated: 2024-03-11. Review status: no assertion criteria provided. Collection method: clinical testing. Allele origin: germline.
Comment: The FAN1 c.898C>T variant is predicted to result in the amino acid substitution p.His300Tyr. To our knowledge, this variant has not been reported in the literature or in a large population database, indicating this variant is rare. At this time, the clinical significance of this variant is uncertain due to the absence of conclusive functional and genetic evidence.